The following is an entry in ClinVar:

NM_198578.4(LRRK2):c.5248G>A (p.Val1750Ile)

Gene: LRRK2 (leucine rich repeat kinase 2; plus strand). Cytogenetic location: 12q12.
Variant type: single nucleotide variant.
Coding change: c.5248G>A on transcript NM_198578.4 (MANE Select); coding-DNA position 5248, G replaced by A.
Protein change: p.Val1750Ile; replaces valine 1750 with isoleucine.
Molecular consequence: missense variant.
Genome position (GRCh38, 1-based): chr12:40,322,112, G>A. VCF-style: chr12-40322112-G-A. GRCh37 (hg19) VCF-style: chr12-40715914-G-A.
Other names: short protein forms V1750I.
Identifiers: ClinVar variation 3292044 (VCV003292044.1).

ClinVar aggregate classification (germline): Uncertain significance (1 of 4 stars; one submission).

Conditions:
Inborn genetic diseases. Identifiers: MedGen C0950123, MeSH D030342.

Submission:

Ambry Genetics
Classification: Uncertain significance for Inborn genetic diseases. Last evaluated: 2024-05-30. Review status: criteria provided, single submitter. Criteria: Ambry Variant Classification Scheme 2023. Collection method: clinical testing. Allele origin: germline.
Comment: The p.V1750I variant (also known as c.5248G>A), located in coding exon 36 of the LRRK2 gene, results from a G to A substitution at nucleotide position 5248. The valine at codon 1750 is replaced by isoleucine, an amino acid with highly similar properties. This amino acid position is conserved. In addition, this alteration is predicted to be tolerated by in silico analysis. Based on the available evidence, the clinical significance of this variant remains unclear.